The following is an entry in ClinVar:

ClinVar aggregate classification (germline): Uncertain significance (1 of 4 stars; one submission).

Submission:

Mayo Clinic Laboratories, Mayo Clinic
Classification: Uncertain significance. Last evaluated: 2025-08-12. Review status: criteria provided, single submitter. Criteria: ACMG Guidelines, 2015. Collection method: clinical testing. Allele origin: germline. Observed: 1 variant allele.
Comment: BP4_moderate, PM2_supporting

NM_002778.4(PSAP):c.152C>T (p.Thr51Ile)

Gene: PSAP (prosaposin; minus strand). Cytogenetic location: 10q22.1.
Variant type: single nucleotide variant.
Coding change: c.152C>T on transcript NM_002778.4 (MANE Select); coding-DNA position 152, C replaced by T.
Protein change: p.Thr51Ile; replaces threonine 51 with isoleucine.
Molecular consequence: missense variant.
Genome position (GRCh38, 1-based): chr10:71,834,394, G>A on the plus strand (C>T on the coding strand, the complement: PSAP is on the minus strand). VCF-style: chr10-71834394-G-A. GRCh37 (hg19) VCF-style: chr10-73594151-G-A.
Other names: p.Thr51Ile; c.152C>T, p.Thr51Ile (NM_001042465.3, NM_001042466.3); short protein forms T51I.
Identifiers: ClinVar variation 4541550 (VCV004541550.1).